The following is an entry in ClinVar:

NM_000051.4(ATM):c.6910G>C (p.Glu2304Gln)

Genes: ATM (ATM serine/threonine kinase; plus strand), C11orf65 (chromosome 11 open reading frame 65; minus strand). Cytogenetic location: 11q22.3.
Variant type: single nucleotide variant.
Coding change: c.6910G>C on transcript NM_000051.4 (MANE Select); coding-DNA position 6910, G replaced by C.
Protein change: p.Glu2304Gln; replaces glutamic acid 2304 with glutamine.
Molecular consequence: missense variant. On other transcripts: intron variant (2).
Genome position (GRCh38, 1-based): chr11:108,326,160, G>C. VCF-style: chr11-108326160-G-C. GRCh37 (hg19) VCF-style: chr11-108196887-G-C.
Other names: c.6910G>C, p.Glu2304Gln (NM_001351834.2); c.641-17089C>G (NM_001330368.2); c.*38+9060C>G (NM_001351110.2); short protein forms E2304Q.
Identifiers: ClinVar variation 3222652 (VCV003222652.3), dbSNP rs2085659776, ClinGen allele CA382557019.

ClinVar aggregate classification (germline): Uncertain significance. Review status: criteria provided, multiple submitters, no conflicts (2 of 4 stars). 2 submissions from 2 submitters: Uncertain significance (2). Last evaluated 2024-08-08.

Conditions:
Ataxia-telangiectasia syndrome (AT). Also called: AT, COMPLEMENTATION GROUP C; Ataxia-telangiectasia, complementation group D; ATAXIA-TELANGIECTASIA, COMPLEMENTATION GROUP A; ATAXIA-TELANGIECTASIA, FRESNO VARIANT; Ataxia-telangiectasia; Ataxia-telangiectasia, complementation group E. Identifiers: Orphanet 100, MedGen C0004135, MONDO:0008840, OMIM 208900.
Hereditary cancer-predisposing syndrome. Also called: Tumor predisposition; Hereditary Cancer Syndrome; Hereditary neoplastic syndrome; Neoplastic Syndromes, Hereditary. Identifiers: Orphanet 140162, MedGen C0027672, MeSH D009386, MONDO:0015356.

Submissions (2):

Labcorp Genetics (formerly Invitae), Labcorp
Classification: Uncertain significance for Ataxia-telangiectasia syndrome. Last evaluated: 2024-08-08. Review status: criteria provided, single submitter. Criteria: Invitae Variant Classification Sherloc (09022015). Collection method: clinical testing. Allele origin: germline.
Comment: This sequence change replaces glutamic acid, which is acidic and polar, with glutamine, which is neutral and polar, at codon 2304 of the ATM protein (p.Glu2304Gln). This variant is not present in population databases (gnomAD no frequency). This variant has not been reported in the literature in individuals affected with ATM-related conditions. An algorithm developed to predict the effect of missense changes on protein structure and function (PolyPhen-2) suggests that this variant is likely to be disruptive. In summary, the available evidence is currently insufficient to determine the role of this variant in disease. Therefore, it has been classified as a Variant of Uncertain Significance.

Ambry Genetics
Classification: Uncertain significance for Hereditary cancer-predisposing syndrome. Last evaluated: 2023-12-04. Review status: criteria provided, single submitter. Criteria: Ambry Variant Classification Scheme 2023. Collection method: clinical testing. Allele origin: germline.
Comment: The p.E2304Q variant (also known as c.6910G>C), located in coding exon 46 of the ATM gene, results from a G to C substitution at nucleotide position 6910. The glutamic acid at codon 2304 is replaced by glutamine, an amino acid with highly similar properties. This amino acid position is highly conserved in available vertebrate species. In addition, this alteration is predicted to be deleterious by in silico analysis. Since supporting evidence is limited at this time, the clinical significance of this alteration remains unclear.